The following is an entry in ClinVar:

NC_000010.10:g.(?_55581618)_(55755545_?)del

Gene: PCDH15 (protocadherin related 15; minus strand). Cytogenetic location: 10q21.1.
Variant type: Deletion.
Identifiers: ClinVar variation 3245022 (VCV003245022.1).

ClinVar aggregate classification (germline): Pathogenic (1 of 4 stars; one submission).

Submission:

Labcorp Genetics (formerly Invitae), Labcorp
Classification: Pathogenic. Last evaluated: 2023-11-01. Review status: criteria provided, single submitter. Criteria: Invitae Variant Classification Sherloc (09022015). Collection method: clinical testing. Allele origin: unknown.
Comment: This variant is a gross deletion of the genomic region encompassing exon(s) 21-33 of the PCDH15 gene, which includes the termination codon. This deletion extends beyond the assayed region for this gene and therefore may encompass additional genes. While this deletion is not anticipated to lead to nonsense mediated decay, it is expected to alter mRNA translation or result in a truncated protein product. This variant has not been reported in the literature in individuals affected with PCDH15-related conditions. This variant disrupts a region of the PCDH15 protein in which other variant(s) (p.Val1578Alafs*6) have been determined to be pathogenic (PMID: 26969326, 33089500). This suggests that this is a clinically significant region of the protein, and that variants that disrupt it are likely to be disease-causing. For these reasons, this variant has been classified as Pathogenic.

Literature cited by the submitters: PubMed 26969326; PubMed 33089500.